The following is an entry in ClinVar:

NM_001164688.2(RD3):c.297G>A (p.Arg99=)

Gene: RD3 (RD3 regulator of GUCY2D; minus strand). Cytogenetic location: 1q32.3.
Variant type: single nucleotide variant.
Coding change: c.297G>A on transcript NM_001164688.2 (MANE Select); coding-DNA position 297, G replaced by A.
Protein change: p.Arg99=; no amino-acid change (arginine 99 retained).
Molecular consequence: synonymous variant.
Genome position (GRCh38, 1-based): chr1:211,479,327, C>T on the plus strand (G>A on the coding strand, the complement: RD3 is on the minus strand). VCF-style: chr1-211479327-C-T. GRCh37 (hg19) VCF-style: chr1-211652669-C-T.
Other names: c.297G>A, p.Arg99= (NM_183059.3).
Identifiers: ClinVar variation 839260 (VCV000839260.7), dbSNP rs575487939, ClinGen allele CA1381091.

ClinVar aggregate classification (germline): Uncertain significance (1 of 4 stars; one submission).

Conditions:
Leber congenital amaurosis 12 (LCA12). Identifiers: Orphanet 65, MedGen C1857743, MONDO:0012525, OMIM 610612.

Allele frequency attached by ClinVar (database versions not stated): gnomAD 0.00001; TOPMed 0.00001.
gnomAD v4.1: 5 of 1,602,464 alleles (0.00031%); highest among the groups gnomAD compares: Non-Finnish European, 0.00043%; no homozygotes.

Submission:

Labcorp Genetics (formerly Invitae), Labcorp
Classification: Uncertain significance for Leber congenital amaurosis 12. Last evaluated: 2025-10-09. Review status: criteria provided, single submitter. Criteria: Invitae Variant Classification Sherloc (09022015). Collection method: clinical testing. Allele origin: germline.
Comment: This sequence change affects codon 99 of the RD3 mRNA. It is a 'silent' change, meaning that it does not change the encoded amino acid sequence of the RD3 protein. It affects a nucleotide within the consensus splice site. The frequency data for this variant in the population databases is considered unreliable, as metrics indicate poor data quality at this position in the gnomAD database. This variant has not been reported in the literature in individuals affected with RD3-related conditions. ClinVar contains an entry for this variant (Variation ID: 839260). Algorithms developed to predict the effect of sequence changes on RNA splicing suggest that this variant is not likely to affect RNA splicing. In summary, the available evidence is currently insufficient to determine the role of this variant in disease. Therefore, it has been classified as a Variant of Uncertain Significance.